The following is an entry in ClinVar:

NC_000023.10:g.(?_31854815)_(32235200_?)dup

Gene: DMD (dystrophin; minus strand). Cytogenetic location: Xp21.1.
Variant type: Duplication.
Identifiers: ClinVar variation 3243065 (VCV003243065.1).

ClinVar aggregate classification (germline): Pathogenic (1 of 4 stars; one submission).

Conditions:
Duchenne muscular dystrophy (DMD). Also called: MUSCULAR DYSTROPHY, PSEUDOHYPERTROPHIC PROGRESSIVE, DUCHENNE TYPE; Duchenne Muscular Dystrophy (DMD). Identifiers: Orphanet 98896, MedGen C0013264, MONDO:0010679, OMIM 310200.

Submission:

Labcorp Genetics (formerly Invitae), Labcorp
Classification: Pathogenic for Duchenne muscular dystrophy. Last evaluated: 2023-12-11. Review status: criteria provided, single submitter. Criteria: Invitae Variant Classification Sherloc (09022015). Collection method: clinical testing. Allele origin: unknown.
Comment: This variant results in a copy number gain of the genomic region encompassing exon(s) 44-49 of the DMD gene. While the exact position of this variant cannot be determined from the data, sub-genic copy number gains are generally in tandem (PMID: 25640679). This variant is predicted to be out-of-frame, and may result in an absent or disrupted protein product. Loss-of-function variants in DMD are known to be pathogenic (PMID: 16770791, 25007885). A similar copy number variant has been observed in individuals with clinical features of DMD-related conditions (PMID: 15655674; Invitae). For these reasons, this variant has been classified as Pathogenic.

Literature cited by the submitters: PubMed 25640679; PubMed 16770791; PubMed 25007885; PubMed 15655674.